The following is an entry in ClinVar:

ClinVar aggregate classification (germline): Uncertain significance. Review status: criteria provided, multiple submitters, no conflicts (2 of 4 stars). 2 submissions from 2 submitters: Uncertain significance (2). Last evaluated 2025-10-07.

Conditions:
Immunodeficiency 104. Also called: SCID, AUTOSOMAL RECESSIVE, T CELL-NEGATIVE, B CELL-POSITIVE, NK CELL-POSITIVE; IMMUNODEFICIENCY 104, SEVERE COMBINED; Severe Combined Immune Deficiency, Autosomal Recessive, TCell -Negative, B Cell-Positive, NK Cell-Positive, IL7R-Related; Severe combined immunodeficiency, autosomal recessive, T cell-negative, B cell-positive, NK cell-positive. Identifiers: MedGen C5676890, MONDO:0012163, OMIM 608971.
Inborn genetic diseases. Identifiers: MedGen C0950123, MeSH D030342.

Allele frequency attached by ClinVar (database versions not stated): gnomAD 0.00001; gnomAD exomes 0.00001; ExAC 0.00002; TOPMed 0.00002; ESP Exome Variant Server 0.00008.
gnomAD v4.1: 19 of 1,613,296 alleles (0.0012%); highest among the groups gnomAD compares: South Asian, 0.0077%; no homozygotes.

Submissions (2):

Ambry Genetics
Classification: Uncertain significance for Inborn genetic diseases. Last evaluated: 2025-10-07. Review status: criteria provided, single submitter. Criteria: Ambry Variant Classification Scheme 2023. Collection method: clinical testing. Allele origin: germline.

Labcorp Genetics (formerly Invitae), Labcorp
Classification: Uncertain significance for Immunodeficiency 104. Last evaluated: 2022-09-26. Review status: criteria provided, single submitter. Criteria: Invitae Variant Classification Sherloc (09022015). Collection method: clinical testing. Allele origin: germline.
Comment: This sequence change replaces arginine, which is basic and polar, with cysteine, which is neutral and slightly polar, at codon 1205 of the PTPRC protein (p.Arg1205Cys). This variant is present in population databases (rs377490765, gnomAD 0.003%). This variant has not been reported in the literature in individuals affected with PTPRC-related conditions. ClinVar contains an entry for this variant (Variation ID: 1442478). Algorithms developed to predict the effect of missense changes on protein structure and function are either unavailable or do not agree on the potential impact of this missense change (SIFT: "Deleterious"; PolyPhen-2: "Probably Damaging"; Align-GVGD: "Class C0"). In summary, the available evidence is currently insufficient to determine the role of this variant in disease. Therefore, it has been classified as a Variant of Uncertain Significance.

NM_002838.5(PTPRC):c.3613C>T (p.Arg1205Cys)

Gene: PTPRC (protein tyrosine phosphatase receptor type C; plus strand). Cytogenetic location: 1q32.1.
Variant type: single nucleotide variant.
Coding change: c.3613C>T on transcript NM_002838.5 (MANE Select); coding-DNA position 3613, C replaced by T.
Protein change: p.Arg1205Cys; replaces arginine 1205 with cysteine.
Molecular consequence: missense variant.
Genome position (GRCh38, 1-based): chr1:198,754,372, C>T. VCF-style: chr1-198754372-C-T. GRCh37 (hg19) VCF-style: chr1-198723501-C-T.
Other names: c.3130C>T, p.Arg1044Cys (NM_080921.4); c.3607C>T (NM_002838.3); short protein forms R1044C, R1205C.
Identifiers: ClinVar variation 1442478 (VCV001442478.6), dbSNP rs377490765, ClinGen allele CA1315496.